The following is an entry in ClinVar:

ClinVar aggregate classification (germline): Uncertain significance. Review status: criteria provided, multiple submitters, no conflicts (2 of 4 stars). 2 submissions from 2 submitters: Uncertain significance (2). Last evaluated 2024-03-25.

Conditions:
Familial cancer of breast. Also called: Hereditary breast cancer; BREAST CANCER, FAMILIAL; hereditary breast carcinoma. Identifiers: Orphanet 227535, MedGen C0346153, MONDO:0016419, OMIM 114480. Disease mechanism: loss of function.
Ataxia-telangiectasia syndrome (AT). Also called: Ataxia telangiectasia (A-T); Ataxia-telangiectasia, complementation group D; AT, COMPLEMENTATION GROUP C; ATAXIA-TELANGIECTASIA, COMPLEMENTATION GROUP A; Ataxia-telangiectasia, complementation group E; ATAXIA-TELANGIECTASIA, FRESNO VARIANT. Identifiers: Orphanet 100, MedGen C0004135, MONDO:0008840, OMIM 208900.

Allele frequency attached by ClinVar (database versions not stated): gnomAD exomes below 0.00001.
gnomAD v4.1: 1 of 1,611,308 alleles (0.000062%); highest among the groups gnomAD compares: South Asian, 0.0011%; no homozygotes.

Submissions (2):

Fulgent Genetics
Classification: Uncertain significance for Familial cancer of breast; Ataxia-telangiectasia syndrome. Last evaluated: 2024-03-25. Review status: criteria provided, single submitter. Criteria: ACMG Guidelines, 2015. Collection method: clinical testing. Allele origin: germline.

Labcorp Genetics (formerly Invitae), Labcorp
Classification: Uncertain significance for Ataxia-telangiectasia syndrome. Last evaluated: 2018-03-20. Review status: criteria provided, single submitter. Criteria: Invitae Variant Classification Sherloc (09022015). Collection method: clinical testing. Allele origin: germline.
Comment: This sequence change replaces leucine with valine at codon 1028 of the ATM protein (p.Leu1028Val). The leucine residue is highly conserved and there is a small physicochemical difference between leucine and valine. This variant is not present in population databases (ExAC no frequency). This variant has not been reported in the literature in individuals with ATM-related disease. Algorithms developed to predict the effect of missense changes on protein structure and function (SIFT, PolyPhen-2, Align-GVGD) all suggest that this variant is likely to be disruptive, but these predictions have not been confirmed by published functional studies and their clinical significance is uncertain. Algorithms developed to predict the effect of sequence changes on RNA splicing suggest that this variant may create or strengthen a splice site, but this prediction has not been confirmed by published transcriptional studies. In summary, the available evidence is currently insufficient to determine the role of this variant in disease. Therefore, it has been classified as a Variant of Uncertain Significance.

NM_000051.4(ATM):c.3082C>G (p.Leu1028Val)

Gene: ATM (ATM serine/threonine kinase; plus strand). Cytogenetic location: 11q22.3.
Variant type: single nucleotide variant.
Coding change: c.3082C>G on transcript NM_000051.4 (MANE Select); coding-DNA position 3082, C replaced by G.
Protein change: p.Leu1028Val; replaces leucine 1028 with valine.
Molecular consequence: missense variant.
Genome position (GRCh38, 1-based): chr11:108,272,536, C>G. VCF-style: chr11-108272536-C-G. GRCh37 (hg19) VCF-style: chr11-108143263-C-G.
Other names: c.3082C>G, p.Leu1028Val (NM_001351834.2); short protein forms L1028V.
Identifiers: ClinVar variation 565309 (VCV000565309.8), dbSNP rs1263930458, ClinGen allele CA382515005.